The following is an entry in ClinVar:

NM_001378778.1(MPDZ):c.2998G>A (p.Val1000Ile)

Gene: MPDZ (multiple PDZ domain crumbs cell polarity complex component; minus strand). Cytogenetic location: 9p23.
Variant type: single nucleotide variant.
Coding change: c.2998G>A on transcript NM_001378778.1 (MANE Select); coding-DNA position 2998, G replaced by A.
Protein change: p.Val1000Ile; replaces valine 1000 with isoleucine.
Molecular consequence: missense variant.
Genome position (GRCh38, 1-based): chr9:13,175,809, C>T on the plus strand (G>A on the coding strand, the complement: MPDZ is on the minus strand). VCF-style: chr9-13175809-C-T. GRCh37 (hg19) VCF-style: chr9-13175808-C-T.
Other names: c.2998G>A, p.Val1000Ile (NM_001261406.2, NM_001261407.2, NM_001330637.2 and 14 more transcripts); short protein forms V1000I.
Identifiers: ClinVar variation 1479732 (VCV001479732.6), dbSNP rs367856903, ClinGen allele CA4987301.

ClinVar aggregate classification (germline): Uncertain significance (1 of 4 stars; one submission).

Allele frequency attached by ClinVar (database versions not stated): gnomAD exomes below 0.00001; TOPMed below 0.00001; gnomAD 0.00001; ExAC 0.00003; ESP Exome Variant Server 0.00008.
gnomAD v4.1: 10 of 1,583,670 alleles (0.00063%); highest among the groups gnomAD compares: Middle Eastern, 0.017%; no homozygotes.

Submission:

Labcorp Genetics (formerly Invitae), Labcorp
Classification: Uncertain significance. Last evaluated: 2021-08-15. Review status: criteria provided, single submitter. Criteria: Invitae Variant Classification Sherloc (09022015). Collection method: clinical testing. Allele origin: germline.
Comment: In summary, the available evidence is currently insufficient to determine the role of this variant in disease. Therefore, it has been classified as a Variant of Uncertain Significance. Algorithms developed to predict the effect of missense changes on protein structure and function output the following: SIFT: "Tolerated"; PolyPhen-2: "Benign"; Align-GVGD: "Class C0". The isoleucine amino acid residue is found in multiple mammalian species, which suggests that this missense change does not adversely affect protein function. This variant has not been reported in the literature in individuals affected with MPDZ-related conditions. This variant is present in population databases (rs367856903, ExAC 0.02%). This sequence change replaces valine with isoleucine at codon 1000 of the MPDZ protein (p.Val1000Ile). The valine residue is weakly conserved and there is a small physicochemical difference between valine and isoleucine.